The following is an entry in ClinVar:

ClinVar aggregate classification (germline): Uncertain significance (1 of 4 stars; one submission).

Conditions:
Cardiovascular phenotype. Identifiers: MedGen CN230736.

Submission:

Ambry Genetics
Classification: Uncertain significance for Cardiovascular phenotype. Last evaluated: 2026-07-04. Review status: criteria provided, single submitter. Criteria: Ambry Variant Classification Scheme 2023. Collection method: clinical testing. Allele origin: germline.
Comment: The p.G1069S variant (also known as c.3205G>A), located in coding exon 21 of the FLNC gene, results from a G to A substitution at nucleotide position 3205. The glycine at codon 1069 is replaced by serine, an amino acid with similar properties. This amino acid position is conserved. In addition, this alteration is predicted to be deleterious by in silico analysis. Based on the available evidence, the clinical significance of this variant remains unclear.

NM_001458.5(FLNC):c.3205G>A (p.Gly1069Ser)

Gene: FLNC (filamin C; plus strand). Cytogenetic location: 7q32.1.
Variant type: single nucleotide variant.
Coding change: c.3205G>A on transcript NM_001458.5 (MANE Select); coding-DNA position 3205, G replaced by A.
Protein change: p.Gly1069Ser; replaces glycine 1069 with serine.
Molecular consequence: missense variant.
Genome position (GRCh38, 1-based): chr7:128,844,670, G>A. VCF-style: chr7-128844670-G-A. GRCh37 (hg19) VCF-style: chr7-128484724-G-A.
Other names: c.3205G>A, p.Gly1069Ser (NM_001127487.2); short protein forms G1069S.
Identifiers: ClinVar variation 5021940 (VCV005021940.1).